The following is an entry in ClinVar:

NM_015662.3(IFT172):c.571-15C>G

Gene: IFT172 (intraflagellar transport 172; minus strand). Cytogenetic location: 2p23.3.
Variant type: single nucleotide variant.
Coding change: c.571-15C>G on transcript NM_015662.3 (MANE Select); 15 bases into the intron before coding-DNA position 571, C replaced by G.
Molecular consequence: intron variant.
Genome position (GRCh38, 1-based): chr2:27,481,275, G>C on the plus strand (C>G on the coding strand, the complement: IFT172 is on the minus strand). VCF-style: chr2-27481275-G-C. GRCh37 (hg19) VCF-style: chr2-27704142-G-C.
Identifiers: ClinVar variation 380456 (VCV000380456.13), dbSNP rs75809198, ClinGen allele CA1580920.

ClinVar aggregate classification (germline): Benign/Likely benign. Review status: criteria provided, multiple submitters, no conflicts (2 of 4 stars). 4 submissions from 4 submitters: Benign (3); Likely benign (1). Last evaluated 2026-02-01.

Conditions:
Bardet-Biedl syndrome 20. Identifiers: MedGen C4310707, MONDO:0023670, OMIM 619471, MONDO:0014926.
Short-rib thoracic dysplasia 10 with or without polydactyly (SRTD10). Identifiers: Orphanet 474, MedGen C3810175, MONDO:0014284, OMIM 615630.
Retinitis pigmentosa 71 (RP71). Identifiers: Orphanet 791, MedGen C4225342, MONDO:0014618, OMIM 616394.

Allele frequency attached by ClinVar (database versions not stated): 1000 Genomes Project 30x 0.00422; 1000 Genomes Project 0.00479; gnomAD 0.00951 and 0.01015; TOPMed 0.00961; ESP Exome Variant Server 0.00976; gnomAD exomes 0.00983 and 0.01592; ExAC 0.01326.
gnomAD v4.1: 24,445 of 1,602,768 alleles (1.5%); highest among the groups gnomAD compares: Non-Finnish European, 1.8%; 222 homozygotes.

Submissions (13):

Labcorp Genetics (formerly Invitae), Labcorp
Classification: Benign for Retinitis pigmentosa 71; Short-rib thoracic dysplasia 10 with or without polydactyly. Last evaluated: 2026-02-01. Review status: criteria provided, single submitter. Criteria: Invitae Variant Classification Sherloc (09022015). Collection method: clinical testing. Allele origin: germline.

Fulgent Genetics
Classification: Likely benign for Short-rib thoracic dysplasia 10 with or without polydactyly; Retinitis pigmentosa 71; Bardet-Biedl syndrome 20. Last evaluated: 2021-11-08. Review status: criteria provided, single submitter. Criteria: ACMG Guidelines, 2015. Collection method: clinical testing. Allele origin: unknown.

GeneDx
Classification: Benign. Last evaluated: 2016-07-05. Review status: criteria provided, single submitter. Criteria: GeneDx Variant Classification (06012015). Collection method: clinical testing. Allele origin: germline. Affected: yes.
Comment: This variant is considered likely benign or benign based on one or more of the following criteria: it is a conservative change, it occurs at a poorly conserved position in the protein, it is predicted to be benign by multiple in silico algorithms, and/or has population frequency not consistent with disease.

Breakthrough Genomics
Classification: Benign. Review status: criteria provided, single submitter. Criteria: ACMG Guidelines, 2015. Collection method: not provided. Allele origin: germline. Inheritance: Autosomal recessive inheritance. Affected: yes.

Dr. Peter K. Rogan Lab, Western University
No classification provided (evidence only). Condition: Acute myeloid leukemia. Review status: no classification provided. Collection method: in vitro. Allele origin: not applicable. Functional consequence: retained intron. Not counted in ClinVar's aggregate classification.

Dr. Peter K. Rogan Lab, Western University
No classification provided (evidence only). Condition: Cervical cancer. Review status: no classification provided. Collection method: in vitro. Allele origin: not applicable. Functional consequence: retained intron. Not counted in ClinVar's aggregate classification.

Dr. Peter K. Rogan Lab, Western University
No classification provided (evidence only). Condition: Ovarian serous cystadenocarcinoma. Review status: no classification provided. Collection method: in vitro. Allele origin: not applicable. Functional consequence: retained intron. Not counted in ClinVar's aggregate classification.

Dr. Peter K. Rogan Lab, Western University
No classification provided (evidence only). Condition: Gastric cancer. Review status: no classification provided. Collection method: in vitro. Allele origin: not applicable. Functional consequence: retained intron. Not counted in ClinVar's aggregate classification.

Dr. Peter K. Rogan Lab, Western University
No classification provided (evidence only). Condition: Uterine carcinosarcoma. Review status: no classification provided. Collection method: in vitro. Allele origin: not applicable. Functional consequence: retained intron. Not counted in ClinVar's aggregate classification.

Dr. Peter K. Rogan Lab, Western University
No classification provided (evidence only). Condition: Malignant tumor of esophagus. Review status: no classification provided. Collection method: in vitro. Allele origin: not applicable. Functional consequence: retained intron. Not counted in ClinVar's aggregate classification.

Dr. Peter K. Rogan Lab, Western University
No classification provided (evidence only). Condition: Malignant tumor of esophagus. Review status: no classification provided. Collection method: in vitro. Allele origin: not applicable. Functional consequence: retained intron. Not counted in ClinVar's aggregate classification.

Dr. Peter K. Rogan Lab, Western University
No classification provided (evidence only). Condition: Nonpapillary renal cell carcinoma. Review status: no classification provided. Collection method: in vitro. Allele origin: not applicable. Functional consequence: retained intron. Not counted in ClinVar's aggregate classification.

Dr. Peter K. Rogan Lab, Western University
No classification provided (evidence only). Condition: Lymphoma. Review status: no classification provided. Collection method: in vitro. Allele origin: not applicable. Functional consequence: retained intron. Not counted in ClinVar's aggregate classification.